The following is an entry in ClinVar:

ClinVar aggregate classification (germline): Likely benign. Review status: criteria provided, multiple submitters, no conflicts (2 of 4 stars). 2 submissions from 2 submitters: Likely benign (2). Last evaluated 2025-11-11.

Conditions:
MYH7B-related disorder. Also called: MYH7B-related condition.

Allele frequency attached by ClinVar (database versions not stated): 1000 Genomes Project 0.00040; 1000 Genomes Project 30x 0.00078; gnomAD exomes 0.00087 and 0.00159; TOPMed 0.00087; gnomAD 0.00101 and 0.00102; ExAC 0.00129; ESP Exome Variant Server 0.00147.
gnomAD v4.1: 2,404 of 1,596,380 alleles (0.15%); highest among the groups gnomAD compares: Non-Finnish European, 0.19%; 8 homozygotes.

Submissions (2):

Labcorp Genetics (formerly Invitae), Labcorp
Classification: Likely benign. Last evaluated: 2025-11-11. Review status: criteria provided, single submitter. Criteria: Invitae Variant Classification Sherloc (09022015). Collection method: clinical testing. Allele origin: germline.

PreventionGenetics, part of Exact Sciences
Classification: Likely benign for MYH7B-related condition. Last evaluated: 2024-10-11. Review status: criteria provided, single submitter. Criteria: ACMG Guidelines, 2015. Collection method: clinical testing. Allele origin: germline.
Comment: This variant is classified as likely benign based on ACMG/AMP sequence variant interpretation guidelines (Richards et al. 2015 PMID: 25741868, with internal and published modifications).

NM_020884.7(MYH7B):c.5581-6G>A

Gene: MYH7B (myosin heavy chain 7B; plus strand). Cytogenetic location: 20q11.22.
Variant type: single nucleotide variant.
Coding change: c.5581-6G>A on transcript NM_020884.7 (MANE Select); 6 bases into the intron before coding-DNA position 5581, G replaced by A.
Molecular consequence: intron variant.
Genome position (GRCh38, 1-based): chr20:35,001,425, G>A. VCF-style: chr20-35001425-G-A. GRCh37 (hg19) VCF-style: chr20-33589228-G-A.
Other names: c.5707-6G>A (NM_020884.4).
Identifiers: ClinVar variation 1671002 (VCV001671002.9), dbSNP rs41309314, ClinGen allele CA9828653.